The following is an entry in ClinVar:

NM_020338.4(ZMIZ1):c.858_878dup (p.Ala293_Thr294insAlaValAlaAlaAlaAlaAla)

Gene: ZMIZ1 (zinc finger MIZ-type containing 1; plus strand). Cytogenetic location: 10q22.3.
Variant type: Duplication.
Coding change: c.858_878dup on transcript NM_020338.4 (MANE Select); coding-DNA positions 858 to 878, 21 bases duplicated (GGCAGTGGCAGCAGCAGCAGC).
Protein change: p.Ala293_Thr294insAlaValAlaAlaAlaAlaAla.
Molecular consequence: inframe insertion.
Genome position (GRCh38, 1-based): chr10:79,292,257-79,292,277, GGCAGTGGCAGCAGCAGCAGC duplicated; duplicating any 21 consecutive bases within chr10:79,292,249-79,292,277 gives the same sequence; the c. name uses the placement nearest the transcript's 3' end. VCF-style (leftmost placement, unchanged base first): chr10-79292248-T-TGCAGCAGCGGCAGTGGCAGCA. GRCh37 (hg19) VCF-style: chr10-81052005-T-TGCAGCAGCGGCAGTGGCAGCA.
Identifiers: ClinVar variation 4531549 (VCV004531549.1).

ClinVar aggregate classification (germline): Likely pathogenic (1 of 4 stars; one submission).

Conditions:
Neurodevelopmental disorder with dysmorphic facies and distal skeletal anomalies. Identifiers: MedGen C5231448, MONDO:0032855, OMIM 618659.

Submission:

Victorian Clinical Genetics Services, Murdoch Childrens Research Institute
Classification: Likely pathogenic for Neurodevelopmental disorder with dysmorphic facies and distal skeletal anomalies. Last evaluated: 2025-09-30. Review status: criteria provided, single submitter. Criteria: ACMG Guidelines, 2015. Collection method: clinical testing. Allele origin: germline. Affected: yes.
Comment: This variant is classified as Likely pathogenic. Evidence in support of pathogenic classification: In-frame insertion fully contained in a repetitive region that has high conservation; Variant is absent from gnomAD (v2, v3 and v4); Additional information: This variant is heterozygous; This gene is associated with autosomal dominant disease; Alternative in-frame amino acid duplications at the same position are present in gnomAD (Highest allele count: v4: 17 heterozygote(s), 0 homozygote(s)). - This variant has no previous evidence of pathogenicity; No published evidence of segregation with disease has been identified for this variant; No published functional evidence has been identified for this variant; Other in-frame duplication variants comparable to the one identified in this case have inconclusive previous evidence for pathogenicity. p.(Ala287dup) and p.(Ala287_Val288insAlaAlaAlaAla) have been classified as a VUS by multiple clinical laboratories in ClinVar. p.(Ala282_Ala287dup) has been classified as likely pathogenic by a clinical laboratory in ClinVar, and as likely pathogenic in an individual with dysmorphic features and hypocalcaemia, in whom the variant was said to be de novo (DECIPHER); Variant is located in the annotated alanine rich domain (PMID: 38117436). - Loss of function is a known mechanism of disease in this gene and is associated with neurodevelopmental disorder with dysmorphic facies and distal skeletal anomalies (MIM#618659); Variants in this gene are known to have variable expressivity (OMIM).

Literature cited by the submitters: PubMed 38117436.